The following is an entry in ClinVar:

ClinVar aggregate classification (germline): Uncertain significance. Review status: criteria provided, multiple submitters, no conflicts (2 of 4 stars). 3 submissions from 3 submitters: Uncertain significance (3). Last evaluated 2025-09-09.

Conditions:
Microcephaly, normal intelligence and immunodeficiency (NBS). Also called: BERLIN BREAKAGE SYNDROME; Ataxia telangiectasia variant V1; IMMUNODEFICIENCY, MICROCEPHALY, AND CHROMOSOMAL INSTABILITY; SEEMANOVA SYNDROME II; Immunodeficiency, microcephaly with normal intelligence; Nijmegen breakage syndrome. Identifiers: Orphanet 647, MedGen C0398791, MONDO:0009623, OMIM 251260.
Hereditary cancer-predisposing syndrome. Also called: Tumor predisposition; Neoplastic Syndromes, Hereditary; Hereditary Cancer Syndrome; Hereditary neoplastic syndrome. Identifiers: Orphanet 140162, MedGen C0027672, MeSH D009386, MONDO:0015356.

Allele frequency attached by ClinVar (database versions not stated): TOPMed below 0.00001; gnomAD 0.00001.
gnomAD v4.1: 1 of 1,613,490 alleles (0.000062%); highest among the groups gnomAD compares: African/African-American, 0.0013%; no homozygotes.

Submissions (3):

Labcorp Genetics (formerly Invitae), Labcorp
Classification: Uncertain significance for Microcephaly, normal intelligence and immunodeficiency. Last evaluated: 2025-09-09. Review status: criteria provided, single submitter. Criteria: Invitae Variant Classification Sherloc (09022015). Collection method: clinical testing. Allele origin: germline.
Comment: This sequence change replaces glutamine, which is neutral and polar, with proline, which is neutral and non-polar, at codon 494 of the NBN protein (p.Gln494Pro). This variant is not present in population databases (gnomAD no frequency). This missense change has been observed in individual(s) with breast cancer (PMID: 31871109). ClinVar contains an entry for this variant (Variation ID: 490046). An algorithm developed to predict the effect of missense changes on protein structure and function (PolyPhen-2) suggests that this variant is likely to be tolerated. In summary, the available evidence is currently insufficient to determine the role of this variant in disease. Therefore, it has been classified as a Variant of Uncertain Significance.

Ambry Genetics
Classification: Uncertain significance for Hereditary cancer-predisposing syndrome. Last evaluated: 2025-07-03. Review status: criteria provided, single submitter. Criteria: Ambry Variant Classification Scheme 2023. Collection method: clinical testing. Allele origin: germline.
Comment: The p.Q494P variant (also known as c.1481A>C), located in coding exon 11 of the NBN gene, results from an A to C substitution at nucleotide position 1481. The glutamine at codon 494 is replaced by proline, an amino acid with similar properties. This amino acid position is well conserved in available vertebrate species. In addition, this alteration is predicted to be tolerated by in silico analysis. Since supporting evidence is limited at this time, the clinical significance of this alteration remains unclear.

Genome-Nilou Lab
Classification: Uncertain significance for Microcephaly, normal intelligence and immunodeficiency. Last evaluated: 2021-11-07. Review status: criteria provided, single submitter. Criteria: ACMG Guidelines, 2015. Collection method: clinical testing. Allele origin: germline. Affected: no.

Literature cited by the submitters: PubMed 31871109 (cited by Labcorp Genetics (formerly Invitae), Labcorp and Ambry Genetics).

NM_002485.5(NBN):c.1481A>C (p.Gln494Pro)

Gene: NBN (nibrin; minus strand). Cytogenetic location: 8q21.3.
Variant type: single nucleotide variant.
Coding change: c.1481A>C on transcript NM_002485.5 (MANE Select); coding-DNA position 1481, A replaced by C.
Protein change: p.Gln494Pro; replaces glutamine 494 with proline.
Molecular consequence: missense variant.
Genome position (GRCh38, 1-based): chr8:89,953,608, T>G on the plus strand (A>C on the coding strand, the complement: NBN is on the minus strand). VCF-style: chr8-89953608-T-G. GRCh37 (hg19) VCF-style: chr8-90965836-T-G.
Other names: c.1235A>C, p.Gln412Pro (NM_001024688.3); short protein forms Q494P, Q412P.
Identifiers: ClinVar variation 490046 (VCV000490046.23), dbSNP rs1381248118, ClinGen allele CA371655766.